The following is an entry in ClinVar:

NM_016653.3(MAP3K20):c.1281A>C (p.Glu427Asp)

Genes: MAP3K20 (mitogen-activated protein kinase kinase kinase 20; plus strand), MAP3K20-AS1 (MAP3K20 antisense RNA 1; minus strand). Cytogenetic location: 2q31.1.
Variant type: single nucleotide variant.
Coding change: c.1281A>C on transcript NM_016653.3 (MANE Select); coding-DNA position 1281, A replaced by C.
Protein change: p.Glu427Asp; replaces glutamic acid 427 with aspartic acid.
Molecular consequence: missense variant.
Genome position (GRCh38, 1-based): chr2:173,239,418, A>C. VCF-style: chr2-173239418-A-C. GRCh37 (hg19) VCF-style: chr2-174104146-A-C.
Other names: short protein forms E427D.
Identifiers: ClinVar variation 1497668 (VCV001497668.6), dbSNP rs2106337644, ClinGen allele CA349315961.
Genomic context (GRCh38, chr2:173,239,418, plus strand): 5'-GTAAAAACAACATCTAGAATAATTGGTGCTTGGTTTCCTGTTTTAGGACTCAGGAGGTGA[A>C]CCTGAAGAAAATGAGGAAAAAATAGTGAACCTGGAACTGGTTTTTGGTTTTCACTTGAAA-3'
Protein context (NP_057737.2, residues 417-437): FPPLIKDSGG[Glu427Asp]PEENEEKIVN

ClinVar aggregate classification (germline): Uncertain significance (1 of 4 stars; one submission).

Submission:

Labcorp Genetics (formerly Invitae), Labcorp
Classification: Uncertain significance. Last evaluated: 2021-07-01. Review status: criteria provided, single submitter. Criteria: Invitae Variant Classification Sherloc (09022015). Collection method: clinical testing. Allele origin: germline.
Comment: In summary, the available evidence is currently insufficient to determine the role of this variant in disease. Therefore, it has been classified as a Variant of Uncertain Significance. Experimental studies and prediction algorithms are not available or were not evaluated, and the functional significance of this variant is currently unknown. This variant has not been reported in the literature in individuals with MAP3K20-related conditions. This variant is not present in population databases (ExAC no frequency). This sequence change replaces glutamic acid with aspartic acid at codon 427 of the MAP3K20 protein (p.Glu427Asp). The glutamic acid residue is highly conserved and there is a small physicochemical difference between glutamic acid and aspartic acid.